The following is an entry in ClinVar:

ClinVar aggregate classification (germline): Likely pathogenic (1 of 4 stars; one submission).

Conditions:
Peroxisome biogenesis disorder. Identifiers: Orphanet 79189, MedGen C1832200, MONDO:0019234. Disease mechanism: loss of function.

Submission:

Myriad Genetics, Inc.
Classification: Likely pathogenic for Peroxisome biogenesis disorder. Last evaluated: 2021-12-29. Review status: criteria provided, single submitter. Criteria: Myriad Autosomal Dominant, Autosomal Recessive and X-Linked Classification Criteria (2023). Collection method: clinical testing. Allele origin: unknown.
Comment: NM_000466.2(PEX1):c.1817C>A(S606*) is expected to be pathogenic in the context of peroxisome biogenesis disorder type 1. This variant is predicted to lead to an abnormal or absent protein product due to the creation of a premature termination codon in PEX1, a gene where loss-of-function variants are known to be pathogenic. Please note: this variant was assessed in the context of healthy population screening.

NM_000466.3(PEX1):c.1817C>A (p.Ser606Ter)

Gene: PEX1 (peroxisomal biogenesis factor 1; minus strand). Cytogenetic location: 7q21.2.
Variant type: single nucleotide variant.
Coding change: c.1817C>A on transcript NM_000466.3 (MANE Select); coding-DNA position 1817, C replaced by A.
Protein change: p.Ser606Ter; replaces serine 606 with a stop codon.
Molecular consequence: nonsense.
Genome position (GRCh38, 1-based): chr7:92,506,331, G>T on the plus strand (C>A on the coding strand, the complement: PEX1 is on the minus strand). VCF-style: chr7-92506331-G-T. GRCh37 (hg19) VCF-style: chr7-92135645-G-T.
Other names: c.1817C>A, p.Ser606Ter (NM_001282677.2); c.1193C>A, p.Ser398Ter (NM_001282678.2); short protein forms S398*, S606*.
Identifiers: ClinVar variation 1726543 (VCV001726543.3), dbSNP rs1792186595, ClinGen allele CA368185387.
Genomic context (GRCh38, chr7:92,506,331, plus strand): 5'-CTCTCCACATGGGCATCCAGTTTGTCAAATGCTTCTTTACAGATTGCTTTGGCTAAAGTT[G>T]ATTTTCCACTTCCCTAGAAAATAATTGCTTTATAGGAATTCCCAATATATTCAGTCACAG-3'